The following is an entry in ClinVar:

NM_001199138.2(NLRC4):c.3026A>G (p.Asp1009Gly)

Gene: NLRC4 (NLR family CARD domain containing 4; minus strand). Cytogenetic location: 2p22.3.
Variant type: single nucleotide variant.
Coding change: c.3026A>G on transcript NM_001199138.2 (MANE Select); coding-DNA position 3026, A replaced by G.
Protein change: p.Asp1009Gly; replaces aspartic acid 1009 with glycine.
Molecular consequence: missense variant.
Genome position (GRCh38, 1-based): chr2:32,224,522, T>C on the plus strand (A>G on the coding strand, the complement: NLRC4 is on the minus strand). VCF-style: chr2-32224522-T-C. GRCh37 (hg19) VCF-style: chr2-32449591-T-C.
Other names: c.3026A>G, p.Asp1009Gly (NM_001199139.2, NM_021209.5); c.1031A>G, p.Asp344Gly (NM_001302504.2); short protein forms D1009G, D344G.
Identifiers: ClinVar variation 2938847 (VCV002938847.3), dbSNP rs2466687333, ClinGen allele CA346519090.
Genomic context (GRCh38, chr2:32,224,522, plus strand): 5'-GTACACTTTATTTAAGCAGTTACTAGTTTAAAAGCACCTGTAATAACACTGAGATCATCA[T>C]CATCAAATTGCCACCCAACAAGCCTAGCTTCTTGCAGAAAAGTTAACTTGGATAACACTT-3'
Protein context (NP_001186067.1, residues 999-1019): EARLVGWQFD[Asp1009Gly]DDLSVITGAF

ClinVar aggregate classification (germline): Uncertain significance (1 of 4 stars; one submission).

Conditions:
Periodic fever-infantile enterocolitis-autoinflammatory syndrome. Also called: Autoinflammation with infantile enterocolitis. Identifiers: Orphanet 436166, MedGen C4015067, MONDO:0014472, OMIM 616050.
Familial cold autoinflammatory syndrome 4 (FCAS4). Identifiers: Orphanet 47045, Orphanet 576349, MedGen C4015276, MONDO:0014498, OMIM 616115.

Allele frequency attached by ClinVar (database versions not stated): gnomAD exomes below 0.00001.
gnomAD v4.1: 1 of 1,613,522 alleles (0.000062%); highest among the groups gnomAD compares: Non-Finnish European, 0.000085%; no homozygotes.

Submission:

Labcorp Genetics (formerly Invitae), Labcorp
Classification: Uncertain significance for Periodic fever-infantile enterocolitis-autoinflammatory syndrome; Familial cold autoinflammatory syndrome 4. Last evaluated: 2023-08-22. Review status: criteria provided, single submitter. Criteria: Invitae Variant Classification Sherloc (09022015). Collection method: clinical testing. Allele origin: germline.
Comment: This sequence change replaces aspartic acid, which is acidic and polar, with glycine, which is neutral and non-polar, at codon 1009 of the NLRC4 protein (p.Asp1009Gly). This variant is not present in population databases (gnomAD no frequency). In summary, the available evidence is currently insufficient to determine the role of this variant in disease. Therefore, it has been classified as a Variant of Uncertain Significance. Advanced modeling of protein sequence and biophysical properties (such as structural, functional, and spatial information, amino acid conservation, physicochemical variation, residue mobility, and thermodynamic stability) performed at Invitae indicates that this missense variant is not expected to disrupt NLRC4 protein function. This variant has not been reported in the literature in individuals affected with NLRC4-related conditions.